The following is an entry in ClinVar:

NM_030662.4(MAP2K2):c.706-1_706delinsTT

Gene: MAP2K2 (mitogen-activated protein kinase kinase 2; minus strand). Cytogenetic location: 19p13.3.
Variant type: Indel.
Coding change: c.706-1_706delinsTT on transcript NM_030662.4 (MANE Select); the canonical splice acceptor site of the intron before coding-DNA position 706 through coding-DNA position 706, GC replaced by TT.
Molecular consequence: splice acceptor variant.
Genome position (GRCh38, 1-based): chr19:4,099,414-4,099,415, GC replaced by AA on the plus strand (GC replaced by TT on the coding strand, the reverse complement: MAP2K2 is on the minus strand). VCF-style: chr19-4099414-GC-AA. GRCh37 (hg19) VCF-style: chr19-4099412-GC-AA.
Other names: c.706-1_706delGCinsTT (NM_030662.3).
Identifiers: ClinVar variation 655002 (VCV000655002.15), dbSNP rs1599287155, ClinGen allele CA915951620.

ClinVar aggregate classification (germline): Uncertain significance. Review status: criteria provided, multiple submitters, no conflicts (2 of 4 stars). 5 submissions from 5 submitters: Uncertain significance (5). Last evaluated 2025-08-20.

Conditions:
Cardiofaciocutaneous syndrome 4 (CFC4). Also called: MAP2K2-Related Cardiofaciocutaneous Syndrome. Identifiers: Orphanet 1340, MedGen C3809007, MONDO:0014114, OMIM 615280.
RASopathy. Also called: rasopathies; Noonan spectrum disorder. Identifiers: Orphanet 536391, MedGen C5555857, MONDO:0021060.

Submissions (5):

Labcorp Genetics (formerly Invitae), Labcorp
Classification: Uncertain significance for RASopathy. Last evaluated: 2025-08-20. Review status: criteria provided, single submitter. Criteria: Invitae Variant Classification Sherloc (09022015). Collection method: clinical testing. Allele origin: germline.
Comment: This variant results in the deletion of part of exon 7 (c.706-1_706delinsTT ) of the MAP2K2 gene. It is expected to disrupt RNA splicing. Variants that disrupt the donor or acceptor splice site typically lead to a loss of protein function (PMID: 16199547), however the current clinical and genetic evidence is not sufficient to establish whether loss-of-function variants in MAP2K2 cause disease. Information on the frequency of this variant in the gnomAD database is not available, as this variant may be reported differently in the database. This variant has not been reported in the literature in individuals affected with MAP2K2-related conditions. ClinVar contains an entry for this variant (Variation ID: 655002). In summary, the available evidence is currently insufficient to determine the role of this variant in disease. Therefore, it has been classified as a Variant of Uncertain Significance.

St. Jude Molecular Pathology, St. Jude Children's Research Hospital
Classification: Uncertain significance for Cardiofaciocutaneous syndrome 4. Last evaluated: 2025-06-17. Review status: criteria provided, single submitter. Criteria: St. Jude Assertion Criteria 2020. Collection method: clinical testing. Allele origin: germline.
Comment: The MAP2K2 c.706-1_706delinsTT change deletes two nucleotides and inserts two nucleotides at the exon-intron boundary of exon 7 of the MAP2K2 gene. Algorithms that predict the impact of sequence changes on splicing indicate that this change may impact splicing, however loss-of-function has not been established as a mechanism of disease. To our knowledge, this variant has not been reported in individuals with cardiofaciocutanous syndrome. This variant is absent in gnomAD v2.1.1. In summary, the evidence currently available is insufficient to determine the clinical significance of this variant. It has therefore been classified as of uncertain significance.

GeneDx
Classification: Uncertain significance. Last evaluated: 2024-04-23. Review status: criteria provided, single submitter. Criteria: GeneDx Variant Classification Process June 2021. Collection method: clinical testing. Allele origin: germline. Affected: yes.
Comment: Has not been previously published as pathogenic or benign to our knowledge; Canonical splice site variant in a gene for which loss-of-function is not a known mechanism of disease

Fulgent Genetics
Classification: Uncertain significance for Cardiofaciocutaneous syndrome 4. Last evaluated: 2024-02-06. Review status: criteria provided, single submitter. Criteria: ACMG Guidelines, 2015. Collection method: clinical testing. Allele origin: germline.

Laboratory for Molecular Medicine, Mass General Brigham Personalized Medicine
Classification: Uncertain significance. Last evaluated: 2019-03-06. Review status: criteria provided, single submitter. Criteria: LMM Criteria. Collection method: clinical testing. Allele origin: germline. Inheritance: Autosomal dominant inheritance. Observed: 2 variant alleles.
Comment: The c.706-1_706delinsTT variant in MAP2K2 has not been previously reported in individuals with a RASopathy and was absent from large population studies. This variant occurs within the canonical splice site (+/- 1,2) and is predicted to cause altered splicing leading to an abnormal or absent protein; however, loss of function is not an established mechanism of disease in this gene. In summary, the clinical significance of this variant is uncertain. ACMG/AMP Criteria applied: PM2.

Literature cited by the submitters: PubMed 16199547 (cited by Labcorp Genetics (formerly Invitae), Labcorp).